The following is an entry in ClinVar:

ClinVar aggregate classification (germline): Benign. Review status: criteria provided, multiple submitters, no conflicts (2 of 4 stars). 5 submissions from 5 submitters: Benign (4). 1 of the submissions does not count toward it. Last evaluated 2024-11-27.

Conditions:
ZFHX3-related disorder. Also called: ZFHX3-related condition.

Allele frequency attached by ClinVar (database versions not stated): 1000 Genomes Project 0.76558; ExAC 0.77134; gnomAD exomes 0.79132 and 0.83082; ESP Exome Variant Server 0.82209; TOPMed 0.82675; gnomAD 0.82751 and 0.83077.
gnomAD v4.1: 1,325,898 of 1,597,110 alleles (83%); highest among the groups gnomAD compares: Admixed American, 90%; 549,970 homozygotes.

Submissions (5):

Blueprint Genetics
Classification: Benign. Last evaluated: 2024-11-27. Review status: criteria provided, single submitter. Criteria: ACMG Guidelines, 2015. Collection method: clinical testing. Allele origin: germline.

GeneDx
Classification: Benign. Last evaluated: 2020-04-22. Review status: criteria provided, single submitter. Criteria: GeneDx Variant Classification Process June 2021. Collection method: clinical testing. Allele origin: germline. Affected: yes.

Labcorp Genetics (formerly Invitae), Labcorp
Classification: Benign. Last evaluated: 2019-12-31. Review status: criteria provided, single submitter. Criteria: Invitae Variant Classification Sherloc (09022015). Collection method: clinical testing. Allele origin: germline.

Breakthrough Genomics
Classification: Benign. Review status: criteria provided, single submitter. Criteria: ACMG Guidelines, 2015. Collection method: not provided. Allele origin: germline. Inheritance: Autosomal dominant inheritance. Affected: yes.

PreventionGenetics, part of Exact Sciences
Classification: Benign for ZFHX3-related condition. Last evaluated: 2019-10-17. Review status: no assertion criteria provided. Collection method: clinical testing. Allele origin: germline. Not counted in ClinVar's aggregate classification.
Comment: This variant is classified as benign based on ACMG/AMP sequence variant interpretation guidelines (Richards et al. 2015 PMID: 25741868, with internal and published modifications).

NM_006885.4(ZFHX3):c.2330T>C (p.Val777Ala)

Gene: ZFHX3 (zinc finger homeobox 3; minus strand). Cytogenetic location: 16q22.3.
Variant type: single nucleotide variant.
Coding change: c.2330T>C on transcript NM_006885.4 (MANE Select); coding-DNA position 2330, T replaced by C.
Protein change: p.Val777Ala; replaces valine 777 with alanine.
Molecular consequence: missense variant. On other transcripts: intron variant (1).
Genome position (GRCh38, 1-based): chr16:72,957,816, A>G on the plus strand (T>C on the coding strand, the complement: ZFHX3 is on the minus strand). VCF-style: chr16-72957816-A-G. GRCh37 (hg19) VCF-style: chr16-72991715-A-G.
Other names: c.-23-6851T>C (NM_001164766.2); short protein forms V777A.
Identifiers: ClinVar variation 768791 (VCV000768791.10), dbSNP rs4788682, ClinGen allele CA8164477.
Genomic context (GRCh38, chr16:72,957,816, plus strand): 5'-TTGGTCGGCGAGGGGGCCCCGCAGGAGCTACTGATATTGGCTGCCGCCGCCGCCGCAGCC[A>G]CCGCCGCCGCCGCCGCCCCGGCAGTGTGGCTGAAGACCTGCTCCCCCCCTCCATTCTGCA-3'
Protein context (NP_008816.3, residues 767-787): SHTAGAAAAA[Val777Ala]AAAAAAANIS